The following is an entry in ClinVar:

ClinVar aggregate classification (germline): Uncertain significance (1 of 4 stars; one submission).

Submission:

Labcorp Genetics (formerly Invitae), Labcorp
Classification: Uncertain significance. Last evaluated: 2023-09-25. Review status: criteria provided, single submitter. Criteria: Invitae Variant Classification Sherloc (09022015). Collection method: clinical testing. Allele origin: germline.
Comment: This sequence change replaces proline, which is neutral and non-polar, with arginine, which is basic and polar, at codon 1564 of the SETBP1 protein (p.Pro1564Arg). This variant is present in population databases (no rsID available, gnomAD 0.003%). This variant has not been reported in the literature in individuals affected with SETBP1-related conditions. An algorithm developed to predict the effect of missense changes on protein structure and function (PolyPhen-2) suggests that this variant is likely to be tolerated. In summary, the available evidence is currently insufficient to determine the role of this variant in disease. Therefore, it has been classified as a Variant of Uncertain Significance.

NM_015559.3(SETBP1):c.4691C>G (p.Pro1564Arg)

Gene: SETBP1 (SET binding protein 1; plus strand). Cytogenetic location: 18q12.3.
Variant type: single nucleotide variant.
Coding change: c.4691C>G on transcript NM_015559.3 (MANE Select); coding-DNA position 4691, C replaced by G.
Protein change: p.Pro1564Arg; replaces proline 1564 with arginine.
Molecular consequence: missense variant.
Genome position (GRCh38, 1-based): chr18:45,063,598, C>G. VCF-style: chr18-45063598-C-G. GRCh37 (hg19) VCF-style: chr18-42643563-C-G.
Other names: c.4691C>G, p.Pro1564Arg (NM_001379141.1, NM_001379142.1); c.4520C>G, p.Pro1507Arg (NM_001410862.1); short protein forms P1507R, P1564R.
Identifiers: ClinVar variation 2902450 (VCV002902450.3), dbSNP rs763165685, ClinGen allele CA402483940.